The following is an entry in ClinVar:

ClinVar aggregate classification (germline): Likely pathogenic. Review status: criteria provided, multiple submitters, no conflicts (2 of 4 stars). 3 submissions from 3 submitters: Likely pathogenic (3). Last evaluated 2025-11-19.

Conditions:
Basal ganglia calcification, idiopathic, 7, autosomal recessive. Also called: PRIMARY FAMILIAL BRAIN CALCIFICATION 7, AUTOSOMAL RECESSIVE. Identifiers: MedGen C5193025, MONDO:0032673, OMIM 618317.
MYORG-related disorder. Also called: MYORG-related condition.

Submissions (3):

Variantyx, Inc.
Classification: Likely pathogenic for Basal ganglia calcification, idiopathic, 7, autosomal recessive. Last evaluated: 2025-11-19. Review status: criteria provided, single submitter. Criteria: Variantyx Assertion Criteria 2022. Collection method: clinical testing. Allele origin: germline. Inheritance: Autosomal recessive inheritance. Affected: no.
Comment: This is a frameshift variant in the MYORG gene (OMIM: 618255). Pathogenic variants in this gene have been associated with autosomal recessive idiopathic basal ganglia calcification 7. This variant introduces a premature termination codon in exon 2 out of 2 and is expected to result in loss of function, which is a known disease mechanism for MYORG in this disorder (PMID: 31009047) (PVS1). This variant has a 0.0068% maximum allele frequency in non-founder control populations (PM2). Based on the current evidence, this variant is classified as likely pathogenic for autosomal recessive idiopathic basal ganglia calcification 7.

PreventionGenetics, part of Exact Sciences
Classification: Likely pathogenic for MYORG-related condition. Last evaluated: 2023-01-12. Review status: criteria provided, single submitter. Criteria: ACMG Guidelines, 2015. Collection method: clinical testing. Allele origin: germline.
Comment: The MYORG c.494_509dup16 variant is predicted to result in a frameshift and premature protein termination (p.Ala171Glyfs*76). To our knowledge, this variant has not been reported in the literature in association with MYORG-related disease. This variant is reported in 0.0054% of alleles in individuals of European (Non-Finnish) descent in gnomAD. Frameshift variants in MYORG are expected to be pathogenic. This variant is interpreted as likely pathogenic.

CeGaT Center for Human Genetics Tuebingen
Classification: Likely pathogenic. Last evaluated: 2020-11-01. Review status: criteria provided, single submitter. Criteria: CeGaT Center For Human Genetics Tuebingen Variant Classification Criteria Version 2. Collection method: clinical testing. Allele origin: germline. Affected: yes. Observed: 1 variant allele.

Literature cited by the submitters: PubMed 31009047 (cited by Variantyx, Inc.).

NM_020702.5(MYORG):c.494_509dup (p.Ala171fs)

Gene: MYORG (myogenesis regulating glycosidase; minus strand). Cytogenetic location: 9p13.3.
Variant type: Duplication.
Coding change: c.494_509dup on transcript NM_020702.5 (MANE Select); coding-DNA positions 494 to 509, 16 bases duplicated (AGGCAGCGCCGGGCCG).
Protein change: p.Ala171fs; shifts the reading frame from alanine 171.
Molecular consequence: frameshift variant.
Genome position (GRCh38, 1-based): chr9:34,372,435-34,372,450, CGGCCCGGCGCTGCCT duplicated on the plus strand (AGGCAGCGCCGGGCCG on the coding strand, the reverse complement: MYORG is on the minus strand); duplicating any 16 consecutive bases within chr9:34,372,435-34,372,451 gives the same sequence; the c. name uses the placement nearest the transcript's 3' end. VCF-style (leftmost placement, unchanged base first): chr9-34372434-C-CCGGCCCGGCGCTGCCT. GRCh37 (hg19) VCF-style: chr9-34372432-C-CCGGCCCGGCGCTGCCT.
Other names: c.494_509dup16 (NM_020702.4); short protein forms A171fs.
Identifiers: ClinVar variation 1013327 (VCV001013327.38), dbSNP rs779317146, ClinGen allele CA5033133.